The following is an entry in ClinVar:

NM_001002295.2(GATA3):c.20_23del (p.Gln7fs)

Gene: GATA3 (GATA binding protein 3; plus strand). Cytogenetic location: 10p14.
Variant type: Deletion.
Coding change: c.20_23del on transcript NM_001002295.2 (MANE Select); coding-DNA positions 20 to 23, 4 bases deleted (AGCC; older notation c.20_23delAGCC).
Protein change: p.Gln7fs; shifts the reading frame from glutamine 7.
Molecular consequence: frameshift variant.
Genome position (GRCh38, 1-based): chr10:8,055,675-8,055,678, AGCC deleted; deleting any 4 consecutive bases within chr10:8,055,673-8,055,678 gives the same sequence; the c. name uses the placement nearest the transcript's 3' end. VCF-style (leftmost placement, unchanged base first): chr10-8055672-ACCAG-A. GRCh37 (hg19) VCF-style: chr10-8097635-ACCAG-A.
Other names: c.20_23del, p.Gln7fs (NM_002051.3); short protein forms Q7fs.
Identifiers: ClinVar variation 3722884 (VCV003722884.2).
Genomic context (GRCh38, chr10:8,055,672, plus strand): 5'-GCGGGTTCCGGGCCCGGCGAGAGGGCGCGAGCACAGCCGAGGCCATGGAGGTGACGGCGG[ACCAG>A]CCGCGCTGGGTGAGCCACCACCACCCCGCCGTGCTCAACGGGCAGCACCCGGACACGCAC-3'

ClinVar aggregate classification (germline): Pathogenic (1 of 4 stars; one submission).

Submission:

Labcorp Genetics (formerly Invitae), Labcorp
Classification: Pathogenic. Last evaluated: 2024-10-13. Review status: criteria provided, single submitter. Criteria: Invitae Variant Classification Sherloc (09022015). Collection method: clinical testing. Allele origin: germline.
Comment: This sequence change creates a premature translational stop signal (p.Gln7Argfs*4) in the GATA3 gene. It is expected to result in an absent or disrupted protein product. Loss-of-function variants in GATA3 are known to be pathogenic (PMID: 14985365, 21242646). This variant is not present in population databases (gnomAD no frequency). This variant has not been reported in the literature in individuals affected with GATA3-related conditions. For these reasons, this variant has been classified as Pathogenic.

Literature cited by the submitters: PubMed 14985365; PubMed 21242646.